The following is an entry in ClinVar:

ClinVar aggregate classification (germline): Uncertain significance (1 of 4 stars; one submission).

Conditions:
Facioscapulohumeral muscular dystrophy 2 (FSHD2). Also called: MUSCULAR DYSTROPHY, FACIOSCAPULOHUMERAL, TYPE 1B; FACIOSCAPULOHUMERAL MUSCULAR DYSTROPHY 2, DIGENIC; FSHD2, DIGENIC. Identifiers: Orphanet 269, MedGen C1834671, MONDO:0008031, OMIM 158901.

Submission:

Labcorp Genetics (formerly Invitae), Labcorp
Classification: Uncertain significance for Facioscapulohumeral muscular dystrophy 2. Last evaluated: 2022-09-30. Review status: criteria provided, single submitter. Criteria: Invitae Variant Classification Sherloc (09022015). Collection method: clinical testing. Allele origin: germline.
Comment: In summary, the available evidence is currently insufficient to determine the role of this variant in disease. Therefore, it has been classified as a Variant of Uncertain Significance. Advanced modeling of protein sequence and biophysical properties (such as structural, functional, and spatial information, amino acid conservation, physicochemical variation, residue mobility, and thermodynamic stability) performed at Invitae indicates that this missense variant is not expected to disrupt SMCHD1 protein function. This variant has not been reported in the literature in individuals affected with SMCHD1-related conditions. This variant is not present in population databases (gnomAD no frequency). This sequence change replaces asparagine, which is neutral and polar, with lysine, which is basic and polar, at codon 1422 of the SMCHD1 protein (p.Asn1422Lys).

NM_015295.3(SMCHD1):c.4266C>G (p.Asn1422Lys)

Gene: SMCHD1 (structural maintenance of chromosomes flexible hinge domain containing 1; plus strand). Cytogenetic location: 18p11.32.
Variant type: single nucleotide variant.
Coding change: c.4266C>G on transcript NM_015295.3 (MANE Select); coding-DNA position 4266, C replaced by G.
Protein change: p.Asn1422Lys; replaces asparagine 1422 with lysine.
Molecular consequence: missense variant.
Genome position (GRCh38, 1-based): chr18:2,751,378, C>G. VCF-style: chr18-2751378-C-G. GRCh37 (hg19) VCF-style: chr18-2751376-C-G.
Other names: short protein forms N1422K.
Identifiers: ClinVar variation 2106656 (VCV002106656.4), dbSNP rs2510122798, ClinGen allele CA401692879.